The following is an entry in ClinVar:

ClinVar aggregate classification (germline): Pathogenic (1 of 4 stars; one submission).

Allele frequency attached by ClinVar (database versions not stated): TOPMed below 0.00001; gnomAD 0.00001.
gnomAD v4.1: 5 of 1,614,050 alleles (0.00031%); highest among the groups gnomAD compares: Non-Finnish European, 0.00042%; no homozygotes.

Submission:

GeneDx
Classification: Pathogenic. Last evaluated: 2022-07-21. Review status: criteria provided, single submitter. Criteria: GeneDx Variant Classification Process June 2021. Collection method: clinical testing. Allele origin: germline. Affected: yes.
Comment: Nonsense variant predicted to result in protein truncation or nonsense mediated decay in a gene for which loss-of-function is a known mechanism of disease; Not observed in large population cohorts (gnomAD); Has not been previously published as pathogenic or benign to our knowledge

NM_006279.5(ST3GAL3):c.808C>T (p.Arg270Ter)

Gene: ST3GAL3 (ST3 beta-galactoside alpha-2,3-sialyltransferase 3; plus strand). Cytogenetic location: 1p34.1.
Variant type: single nucleotide variant.
Coding change: c.808C>T on transcript NM_006279.5 (MANE Select); coding-DNA position 808, C replaced by T.
Protein change: p.Arg270Ter; replaces arginine 270 with a stop codon.
Molecular consequence: nonsense. On other transcripts: non-coding transcript variant (6), intron variant (12).
Genome position (GRCh38, 1-based): chr1:43,920,467, C>T. VCF-style: chr1-43920467-C-T. GRCh37 (hg19) VCF-style: chr1-44386139-C-T.
Other names: c.715C>T, p.Arg239Ter (NM_001270460.2); c.853C>T, p.Arg285Ter (NM_001350619.2, NM_174964.4); c.808C>T, p.Arg270Ter (NM_001350620.2); c.529C>T, p.Arg177Ter (NM_001350621.2); c.1015C>T, p.Arg339Ter (NM_174963.5); c.970C>T, p.Arg324Ter (NM_174968.5); c.760C>T, p.Arg254Ter (NM_174969.4); c.922C>T, p.Arg308Ter (NM_174971.5); and 12 more; short protein forms R177*, R239*, R254*, R270*, R285*, R308*, R324*, R339*.
Identifiers: ClinVar variation 1700265 (VCV001700265.2), dbSNP rs1461640035, ClinGen allele CA340031766.